The following is an entry in ClinVar:

ClinVar aggregate classification (germline): Conflicting classifications of pathogenicity. Review status: criteria provided, conflicting classifications (1 of 4 stars). 6 submissions from 6 submitters: Uncertain significance (2); Benign (1); Likely benign (3). Last evaluated 2026-01-20.

Conditions:
LAMA2-related muscular dystrophy (LAMA2-RD). Also called: Laminin alpha 2-related dystrophy. Identifiers: MedGen C5679788, MONDO:0100228.
Congenital muscular dystrophy due to partial LAMA2 deficiency. Identifiers: MedGen C1842898.

Allele frequency attached by ClinVar (database versions not stated): gnomAD 0.00067; 1000 Genomes Project 0.00100; 1000 Genomes Project 30x 0.00109; TOPMed 0.00121; gnomAD exomes 0.00007; ESP Exome Variant Server 0.00123.
gnomAD v4.1: 251 of 1,613,774 alleles (0.016%); highest among the groups gnomAD compares: African/African-American, 0.31%; no homozygotes.

Submissions (6):

Labcorp Genetics (formerly Invitae), Labcorp
Classification: Benign for LAMA2-related muscular dystrophy. Last evaluated: 2026-01-20. Review status: criteria provided, single submitter. Criteria: Invitae Variant Classification Sherloc (09022015). Collection method: clinical testing. Allele origin: germline.

Mayo Clinic Laboratories, Mayo Clinic
Classification: Likely benign. Last evaluated: 2025-05-06. Review status: criteria provided, single submitter. Criteria: ACMG Guidelines, 2015. Collection method: clinical testing. Allele origin: germline. Observed: 3 variant alleles.
Comment: BP4, BP7

Revvity Omics, Revvity
Classification: Likely benign. Last evaluated: 2024-12-16. Review status: criteria provided, single submitter. Criteria: ACMG Guidelines, 2015. Collection method: clinical testing. Allele origin: germline.

Blueprint Genetics
Classification: Likely benign. Last evaluated: 2024-09-09. Review status: criteria provided, single submitter. Criteria: ACMG Guidelines, 2015. Collection method: clinical testing. Allele origin: germline.

Illumina Laboratory Services, Illumina
Classification: Uncertain significance for Congenital muscular dystrophy due to partial LAMA2 deficiency. Last evaluated: 2018-01-12. Review status: criteria provided, single submitter. Criteria: ICSL Variant Classification Criteria 13 December 2019. Collection method: clinical testing. Allele origin: germline.

Eurofins Ntd Llc (ga)
Classification: Uncertain significance. Last evaluated: 2017-03-29. Review status: criteria provided, single submitter. Criteria: EGL Classification Definitions 2015. Collection method: clinical testing. Allele origin: germline. Observed: 2 variant alleles, 2 heterozygotes.

NM_000426.4(LAMA2):c.7965C>A (p.Ile2655=)

Gene: LAMA2 (laminin subunit alpha 2; plus strand). Cytogenetic location: 6q22.33.
Variant type: single nucleotide variant.
Coding change: c.7965C>A on transcript NM_000426.4 (MANE Select); coding-DNA position 7965, C replaced by A.
Protein change: p.Ile2655=; no amino-acid change (isoleucine 2655 retained).
Molecular consequence: synonymous variant.
Genome position (GRCh38, 1-based): chr6:129,491,967, C>A. VCF-style: chr6-129491967-C-A. GRCh37 (hg19) VCF-style: chr6-129813112-C-A.
Other names: p.Ile2655=; c.7953C>A, p.Ile2651= (NM_001079823.2).
Identifiers: ClinVar variation 477509 (VCV000477509.22), dbSNP rs141101234, ClinGen allele CA3994707.